The following is an entry in ClinVar:

ClinVar aggregate classification (germline): Uncertain significance. Review status: criteria provided, multiple submitters, no conflicts (2 of 4 stars). 2 submissions from 2 submitters: Uncertain significance (2). Last evaluated 2021-12-29.

Conditions:
Retinitis pigmentosa (RP). Identifiers: Orphanet 791, MedGen C0035334, MeSH D012174, MONDO:0019200, OMIM 268000. Inheritance: Autosomal dominant, autosomal recessive and X linked inheritance.

Allele frequency attached by ClinVar (database versions not stated): ExAC 0.00001; gnomAD exomes 0.00001.
gnomAD v4.1: 17 of 1,611,220 alleles (0.0011%); highest among the groups gnomAD compares: Non-Finnish European, 0.0014%; no homozygotes.

Submissions (2):

Labcorp Genetics (formerly Invitae), Labcorp
Classification: Uncertain significance. Last evaluated: 2021-12-29. Review status: criteria provided, single submitter. Criteria: Invitae Variant Classification Sherloc (09022015). Collection method: clinical testing. Allele origin: germline.
Comment: Advanced modeling of protein sequence and biophysical properties (such as structural, functional, and spatial information, amino acid conservation, physicochemical variation, residue mobility, and thermodynamic stability) performed at Invitae indicates that this missense variant is not expected to disrupt CNGB1 protein function. In summary, the available evidence is currently insufficient to determine the role of this variant in disease. Therefore, it has been classified as a Variant of Uncertain Significance. Algorithms developed to predict the effect of sequence changes on RNA splicing suggest that this variant may create or strengthen a splice site. ClinVar contains an entry for this variant (Variation ID: 320056). This variant has not been reported in the literature in individuals affected with CNGB1-related conditions. This variant is present in population databases (rs749978261, gnomAD 0.002%). This sequence change replaces proline, which is neutral and non-polar, with glutamine, which is neutral and polar, at codon 1197 of the CNGB1 protein (p.Pro1197Gln).

Illumina Laboratory Services, Illumina
Classification: Uncertain significance for Retinitis pigmentosa. Last evaluated: 2018-01-13. Review status: criteria provided, single submitter. Criteria: ICSL Variant Classification Criteria 13 December 2019. Collection method: clinical testing. Allele origin: germline.

NM_001297.5(CNGB1):c.3590C>A (p.Pro1197Gln)

Gene: CNGB1 (cyclic nucleotide gated channel subunit beta 1; minus strand). Cytogenetic location: 16q21.
Variant type: single nucleotide variant.
Coding change: c.3590C>A on transcript NM_001297.5 (MANE Select); coding-DNA position 3590, C replaced by A.
Protein change: p.Pro1197Gln; replaces proline 1197 with glutamine.
Molecular consequence: missense variant.
Genome position (GRCh38, 1-based): chr16:57,884,330, G>T on the plus strand (C>A on the coding strand, the complement: CNGB1 is on the minus strand). VCF-style: chr16-57884330-G-T. GRCh37 (hg19) VCF-style: chr16-57918234-G-T.
Other names: c.3572C>A, p.Pro1191Gln (NM_001286130.2); short protein forms P1197Q, P1191Q.
Identifiers: ClinVar variation 320056 (VCV000320056.9), dbSNP rs749978261, ClinGen allele CA8082494.